The following is an entry in ClinVar:

NM_001042492.3(NF1):c.1528-14T>C

Gene: NF1 (neurofibromin 1; plus strand). Cytogenetic location: 17q11.2.
Variant type: single nucleotide variant.
Coding change: c.1528-14T>C on transcript NM_001042492.3 (MANE Select); 14 bases into the intron before coding-DNA position 1528, T replaced by C.
Molecular consequence: intron variant.
Genome position (GRCh38, 1-based): chr17:31,218,991, T>C. VCF-style: chr17-31218991-T-C. GRCh37 (hg19) VCF-style: chr17-29546009-T-C.
Other names: c.1528-14T>C (NM_000267.4, NM_001128147.3).
Identifiers: ClinVar variation 1576761 (VCV001576761.10), dbSNP rs368116557, ClinGen allele CA8485805.
Genomic context (GRCh38, chr17:31,218,991, plus strand): 5'-TCTATTTCTTCCTCCTTCTAATCTCTCTCGATTTATTTATTTTTTTAATTGAAGTTTCCT[T>C]TTTTTCCTTGCAGAATCCAAGAAAACAGGGGCCCGAAACCCAAGGCAGTACAGCAGAATT-3'

ClinVar aggregate classification (germline): Likely benign. Review status: criteria provided, multiple submitters, no conflicts (2 of 4 stars). 3 submissions from 3 submitters: Likely benign (3). Last evaluated 2026-05-11.

Conditions:
Neurofibromatosis, type 1 (NF1). Also called: VON RECKLINGHAUSEN DISEASE; NEUROFIBROMATOSIS, TYPE I, SOMATIC; Neurofibromatosis, type I; Peripheral type neurofibromatosis. Identifiers: Orphanet 636, MedGen C0027831, MONDO:0018975, OMIM 162200. Disease mechanism: loss of function.

Allele frequency attached by ClinVar (database versions not stated): ExAC 0.00003; gnomAD exomes 0.00003 and 0.00005; TOPMed 0.00003; gnomAD 0.00005 and 0.00006; ESP Exome Variant Server 0.00008.
gnomAD v4.1: 90 of 1,605,922 alleles (0.0056%); highest among the groups gnomAD compares: Non-Finnish European, 0.0066%; no homozygotes.

Submissions (3):

Myriad Genetics, Inc.
Classification: Likely benign for Neurofibromatosis, type 1. Last evaluated: 2026-05-11. Review status: criteria provided, single submitter. Criteria: Myriad Autosomal Dominant, Autosomal Recessive and X-Linked Classification Criteria (2023). Collection method: clinical testing. Allele origin: unknown.
Comment: This variant is considered likely benign. This variant is intronic and is not expected to impact mRNA splicing.

Labcorp Genetics (formerly Invitae), Labcorp
Classification: Likely benign for Neurofibromatosis, type 1. Last evaluated: 2026-01-12. Review status: criteria provided, single submitter. Criteria: Invitae Variant Classification Sherloc (09022015). Collection method: clinical testing. Allele origin: germline.

Blueprint Genetics
Classification: Likely benign. Last evaluated: 2019-10-15. Review status: criteria provided, single submitter. Criteria: ACMG Guidelines, 2015. Collection method: clinical testing. Allele origin: germline.